The following is an entry in ClinVar:

NM_001042492.3(NF1):c.7643T>A (p.Ile2548Lys)

Gene: NF1 (neurofibromin 1; plus strand). Cytogenetic location: 17q11.2.
Variant type: single nucleotide variant.
Coding change: c.7643T>A on transcript NM_001042492.3 (MANE Select); coding-DNA position 7643, T replaced by A.
Protein change: p.Ile2548Lys; replaces isoleucine 2548 with lysine.
Molecular consequence: missense variant.
Genome position (GRCh38, 1-based): chr17:31,356,487, T>A. VCF-style: chr17-31356487-T-A. GRCh37 (hg19) VCF-style: chr17-29683505-T-A.
Other names: c.7580T>A, p.Ile2527Lys (NM_000267.4); short protein forms I2527K, I2548K.
Identifiers: ClinVar variation 561728 (VCV000561728.1), dbSNP rs864622266, ClinGen allele CA399018033.

ClinVar aggregate classification (germline): Uncertain significance (1 of 4 stars; one submission).

Submission:

GeneDx
Classification: Uncertain significance. Last evaluated: 2018-02-06. Review status: criteria provided, single submitter. Criteria: GeneDx Variant Classification (06012015). Collection method: clinical testing. Allele origin: germline. Affected: yes.
Comment: This variant is denoted NF1 c.7580T>A at the cDNA level, p.Ile2527Lys (I2527K) at the protein level, and results in the change of an Isoleucine to a Lysine (ATA>AAA). This variant has not, to our knowledge, been published in the literature as pathogenic or benign. NF1 Ile2527Lys was not observed in large population cohorts (Lek 2016). This variant is located in the C-terminal domain (Luo 2014). In silico analysis, which includes protein predictors and evolutionary conservation, supports that this variant does not alter protein structure/function. Based on currently available evidence, it is unclear whether NF1 Ile2527Lys is a pathogenic or benign variant. We consider it to be a variant of uncertain significance.